The following is an entry in ClinVar:

ClinVar aggregate classification (germline): Likely benign (1 of 4 stars; one submission).

Allele frequency attached by ClinVar (database versions not stated): gnomAD exomes below 0.00001.
gnomAD v4.1: 1 of 1,594,542 alleles (0.000063%); highest among the groups gnomAD compares: Non-Finnish European, 0.000085%; no homozygotes.

Submission:

CeGaT Center for Human Genetics Tuebingen
Classification: Likely benign. Last evaluated: 2022-06-01. Review status: criteria provided, single submitter. Criteria: CeGaT Center For Human Genetics Tuebingen Variant Classification Criteria Version 2. Collection method: clinical testing. Allele origin: germline. Affected: yes. Observed: 1 variant allele.
Comment: AK2: PM2:Supporting, BP4, BP7

NM_001625.4(AK2):c.18A>G (p.Pro6=)

Genes: AK2 (adenylate kinase 2; minus strand), LOC129930068 (ATAC-STARR-seq lymphoblastoid active region 705; plus strand). Cytogenetic location: 1p35.1.
Variant type: single nucleotide variant.
Coding change: c.18A>G on transcript NM_001625.4 (MANE Select); coding-DNA position 18, A replaced by G.
Protein change: p.Pro6=; no amino-acid change (proline 6 retained).
Molecular consequence: synonymous variant. On other transcripts: 5 prime UTR variant (2), non-coding transcript variant (1).
Genome position (GRCh38, 1-based): chr1:33,036,811, T>C on the plus strand (A>G on the coding strand, the complement: AK2 is on the minus strand). VCF-style: chr1-33036811-T-C. GRCh37 (hg19) VCF-style: chr1-33502412-T-C.
Other names: c.18A>G, p.Pro6= (NM_001199199.3, NM_001319141.3, NM_001319142.3 and 2 more transcripts); c.-245A>G (NM_001319139.3, NM_001319140.2).
Identifiers: ClinVar variation 2638616 (VCV002638616.24), dbSNP rs2522301993, ClinGen allele CA417065839.